The following is an entry in ClinVar:

NM_005422.4(TECTA):c.685G>A (p.Glu229Lys)

Genes: TBCEL-TECTA (TBCEL-TECTA readthrough; plus strand), TECTA (tectorin alpha; plus strand). Cytogenetic location: 11q23.3.
Variant type: single nucleotide variant.
Coding change: c.685G>A on transcript NM_005422.4 (MANE Select); coding-DNA position 685, G replaced by A.
Protein change: p.Glu229Lys; replaces glutamic acid 229 with lysine.
Molecular consequence: missense variant.
Genome position (GRCh38, 1-based): chr11:121,113,613, G>A. VCF-style: chr11-121113613-G-A. GRCh37 (hg19) VCF-style: chr11-120984322-G-A.
Other names: c.1642G>A, p.Glu548Lys (NM_001378761.1); short protein forms E548K, E229K.
Identifiers: ClinVar variation 2186925 (VCV002186925.7), dbSNP rs150098939, ClinGen allele CA6326577.

ClinVar aggregate classification (germline): Conflicting classifications of pathogenicity. Review status: criteria provided, conflicting classifications (1 of 4 stars). 3 submissions from 3 submitters: Uncertain significance (2); Likely benign (1). Last evaluated 2025-07-07.

Conditions:
Inborn genetic diseases. Identifiers: MedGen C0950123, MeSH D030342.

Allele frequency attached by ClinVar (database versions not stated): ExAC 0.00009; gnomAD 0.00017; TOPMed 0.00019; ESP Exome Variant Server 0.00031; 1000 Genomes Project 0.00040; 1000 Genomes Project 30x 0.00047.

Submissions (3):

GeneDx
Classification: Uncertain significance. Last evaluated: 2025-07-07. Review status: criteria provided, single submitter. Criteria: GeneDx Variant Classification Process June 2021. Collection method: clinical testing. Allele origin: germline. Affected: yes.
Comment: In silico analysis suggests that this missense variant does not alter protein structure/function; Has not been previously published as pathogenic or benign to our knowledge; This variant is associated with the following publications: (PMID: 21520338, 31554319, 9590290)

Labcorp Genetics (formerly Invitae), Labcorp
Classification: Likely benign. Last evaluated: 2025-01-23. Review status: criteria provided, single submitter. Criteria: Invitae Variant Classification Sherloc (09022015). Collection method: clinical testing. Allele origin: germline.

Ambry Genetics
Classification: Uncertain significance for Inborn genetic diseases. Last evaluated: 2023-12-13. Review status: criteria provided, single submitter. Criteria: Ambry Variant Classification Scheme 2023. Collection method: clinical testing. Allele origin: germline.